The following is an entry in ClinVar:

NM_004006.3(DMD):c.4075G>A (p.Val1359Ile)

Gene: DMD (dystrophin; minus strand). Cytogenetic location: Xp21.1.
Variant type: single nucleotide variant.
Coding change: c.4075G>A on transcript NM_004006.3 (MANE Select); coding-DNA position 4075, G replaced by A.
Protein change: p.Val1359Ile; replaces valine 1359 with isoleucine.
Molecular consequence: missense variant.
Genome position (GRCh38, 1-based): chrX:32,411,910, C>T on the plus strand (G>A on the coding strand, the complement: DMD is on the minus strand). VCF-style: chrX-32411910-C-T. GRCh37 (hg19) VCF-style: chrX-32430027-C-T.
Other names: c.4051G>A, p.Val1351Ile (NM_000109.4); c.4063G>A, p.Val1355Ile (NM_004009.3); c.3706G>A, p.Val1236Ile (NM_004010.3); c.52G>A, p.Val18Ile (NM_004011.4); c.43G>A, p.Val15Ile (NM_004012.4); short protein forms V1355I, V18I, V1236I, V1359I, V15I, V1351I.
Identifiers: ClinVar variation 1902607 (VCV001902607.4), dbSNP rs2523602645, ClinGen allele CA412666709.

ClinVar aggregate classification (germline): Uncertain significance (1 of 4 stars; one submission).

Conditions:
Duchenne muscular dystrophy (DMD). Also called: MUSCULAR DYSTROPHY, PSEUDOHYPERTROPHIC PROGRESSIVE, DUCHENNE TYPE; Duchenne Muscular Dystrophy (DMD). Identifiers: Orphanet 98896, MedGen C0013264, MONDO:0010679, OMIM 310200.

Allele frequency attached by ClinVar (database versions not stated): gnomAD exomes below 0.00001.
gnomAD v4.1: 5 of 1,210,292 alleles (0.00041%); highest among the groups gnomAD compares: Non-Finnish European, 0.00056%; no homozygotes.

Submission:

Labcorp Genetics (formerly Invitae), Labcorp
Classification: Uncertain significance for Duchenne muscular dystrophy. Last evaluated: 2024-10-10. Review status: criteria provided, single submitter. Criteria: Invitae Variant Classification Sherloc (09022015). Collection method: clinical testing. Allele origin: germline.
Comment: This sequence change replaces valine, which is neutral and non-polar, with isoleucine, which is neutral and non-polar, at codon 1359 of the DMD protein (p.Val1359Ile). This variant is not present in population databases (gnomAD no frequency). This variant has not been reported in the literature in individuals affected with DMD-related conditions. ClinVar contains an entry for this variant (Variation ID: 1902607). Invitae Evidence Modeling of protein sequence and biophysical properties (such as structural, functional, and spatial information, amino acid conservation, physicochemical variation, residue mobility, and thermodynamic stability) indicates that this missense variant is not expected to disrupt DMD protein function with a negative predictive value of 95%. In summary, the available evidence is currently insufficient to determine the role of this variant in disease. Therefore, it has been classified as a Variant of Uncertain Significance.